The following is an entry in ClinVar:

NM_000051.4(ATM):c.2323T>A (p.Ser775Thr)

Gene: ATM (ATM serine/threonine kinase; plus strand). Cytogenetic location: 11q22.3.
Variant type: single nucleotide variant.
Coding change: c.2323T>A on transcript NM_000051.4 (MANE Select); coding-DNA position 2323, T replaced by A.
Protein change: p.Ser775Thr; replaces serine 775 with threonine.
Molecular consequence: missense variant.
Genome position (GRCh38, 1-based): chr11:108,257,553, T>A. VCF-style: chr11-108257553-T-A. GRCh37 (hg19) VCF-style: chr11-108128280-T-A.
Other names: c.2323T>A, p.Ser775Thr (NM_001351834.2); short protein forms S775T.
Identifiers: ClinVar variation 4618348 (VCV004618348.1).
Genomic context (GRCh38, chr11:108,257,553, plus strand): 5'-TGTGCAGGAGAAAGTATCACTCTGTTTAAAAATAAGACAAATGAGGAATTCAGAATTGGT[T>A]CCTTGAGAAATATGATGCAGCTATGTACACGTTGCTTGAGCAACTGTACCAAGGTAAGAT-3'
Protein context (NP_000042.3, residues 765-785): NKTNEEFRIG[Ser775Thr]LRNMMQLCTR

ClinVar aggregate classification (germline): Uncertain significance (1 of 4 stars; one submission).

Conditions:
Hereditary cancer-predisposing syndrome. Also called: Neoplastic Syndromes, Hereditary; Tumor predisposition; Hereditary Cancer Syndrome; Hereditary neoplastic syndrome. Identifiers: Orphanet 140162, MedGen C0027672, MeSH D009386, MONDO:0015356.

Submission:

Ambry Genetics
Classification: Uncertain significance for Hereditary cancer-predisposing syndrome. Last evaluated: 2025-11-11. Review status: criteria provided, single submitter. Criteria: Ambry Variant Classification Scheme 2023. Collection method: clinical testing. Allele origin: germline.
Comment: The p.S775T variant (also known as c.2323T>A), located in coding exon 14 of the ATM gene, results from a T to A substitution at nucleotide position 2323. The serine at codon 775 is replaced by threonine, an amino acid with similar properties. This amino acid position is conserved. In addition, this alteration is predicted to be tolerated by in silico analysis. Based on the available evidence, the clinical significance of this variant remains unclear.